The following is an entry in ClinVar:

ClinVar aggregate classification (germline): Conflicting classifications of pathogenicity. Review status: criteria provided, conflicting classifications (1 of 4 stars). 3 submissions from 3 submitters: Uncertain significance (1); Likely benign (1). 1 of the submissions does not count toward it. Last evaluated 2025-04-03.

Conditions:
LTBP2-related disorder. Also called: LTBP2-related disorders; LTBP2-related condition.

Allele frequency attached by ClinVar (database versions not stated): ExAC 0.00002; gnomAD exomes 0.00002; TOPMed 0.00008; gnomAD 0.00009; 1000 Genomes Project 30x 0.00016; 1000 Genomes Project 0.00020.
gnomAD v4.1: 19 of 1,613,650 alleles (0.0012%); highest among the groups gnomAD compares: African/African-American, 0.025%; no homozygotes.

Submissions (3):

Labcorp Genetics (formerly Invitae), Labcorp
Classification: Likely benign. Last evaluated: 2025-04-03. Review status: criteria provided, single submitter. Criteria: Invitae Variant Classification Sherloc (09022015). Collection method: clinical testing. Allele origin: germline.

Eurofins Ntd Llc (ga)
Classification: Uncertain significance. Last evaluated: 2016-06-04. Review status: criteria provided, single submitter. Criteria: EGL Classification Definitions 2015. Collection method: clinical testing. Allele origin: germline. Observed: 1 variant allele, 1 heterozygote.

PreventionGenetics, part of Exact Sciences
Classification: Likely benign for LTBP2-related condition. Last evaluated: 2019-05-01. Review status: no assertion criteria provided. Collection method: clinical testing. Allele origin: germline. Not counted in ClinVar's aggregate classification.
Comment: This variant is classified as likely benign based on ACMG/AMP sequence variant interpretation guidelines (Richards et al. 2015 PMID: 25741868, with internal and published modifications).

NM_000428.3(LTBP2):c.1686+8C>G

Gene: LTBP2 (latent transforming growth factor beta binding protein 2; minus strand). Cytogenetic location: 14q24.3.
Variant type: single nucleotide variant.
Coding change: c.1686+8C>G on transcript NM_000428.3 (MANE Select); 8 bases into the intron after coding-DNA position 1686, C replaced by G.
Molecular consequence: intron variant.
Genome position (GRCh38, 1-based): chr14:74,551,056, G>C on the plus strand (C>G on the coding strand, the complement: LTBP2 is on the minus strand). VCF-style: chr14-74551056-G-C. GRCh37 (hg19) VCF-style: chr14-75017759-G-C.
Other names: c.1686+8C>G (NM_000428.2).
Identifiers: ClinVar variation 288041 (VCV000288041.11), dbSNP rs563097395, ClinGen allele CA7269810.